The following is an entry in ClinVar:

NC_000011.9:g.(?_17522578)_(17523547_?)del

Gene: USH1C (USH1 protein network component harmonin; minus strand). Cytogenetic location: 11p15.1.
Variant type: Deletion.
Identifiers: ClinVar variation 1072243 (VCV001072243.1).

ClinVar aggregate classification (germline): Pathogenic (1 of 4 stars; one submission).

Submission:

Labcorp Genetics (formerly Invitae), Labcorp
Classification: Pathogenic. Last evaluated: 2020-10-07. Review status: criteria provided, single submitter. Criteria: Invitae Variant Classification Sherloc (09022015). Collection method: clinical testing. Allele origin: germline.
Comment: This variant is an out-of-frame deletion of the genomic region encompassing exon(s) 16-18 of the USH1C gene. This is expected to create a premature translational stop signal and result in an absent or disrupted protein product. This variant has not been reported in the literature in individuals with USH1C-related conditions. Loss-of-function variants in USH1C are known to be pathogenic (PMID: 10973247, 17407589, 20301442, 21203349). For these reasons, this variant has been classified as Pathogenic.

Literature cited by the submitters: PubMed 10973247; PubMed 17407589; PubMed 20301442; PubMed 21203349.